The following is an entry in ClinVar:

NM_000355.4(TCN2):c.977C>T (p.Thr326Ile)

Gene: TCN2 (transcobalamin 2; plus strand). Cytogenetic location: 22q12.2.
Variant type: single nucleotide variant.
Coding change: c.977C>T on transcript NM_000355.4 (MANE Select); coding-DNA position 977, C replaced by T.
Protein change: p.Thr326Ile; replaces threonine 326 with isoleucine.
Molecular consequence: missense variant.
Genome position (GRCh38, 1-based): chr22:30,617,366, C>T. VCF-style: chr22-30617366-C-T. GRCh37 (hg19) VCF-style: chr22-31013353-C-T.
Other names: c.896C>T, p.Thr299Ile (NM_001184726.2); short protein forms T299I, T326I.
Identifiers: ClinVar variation 1953519 (VCV001953519.2), dbSNP rs1267319234, ClinGen allele CA411215213.

ClinVar aggregate classification (germline): Uncertain significance (1 of 4 stars; one submission).

Conditions:
Transcobalamin II deficiency (TCN2D). Also called: Transcolabamin II deficiency; TC II DEFICIENCY; TCN2 DEFICIENCY. Identifiers: Orphanet 859, MedGen C0342701, MONDO:0010149, OMIM 275350.

Allele frequency attached by ClinVar (database versions not stated): gnomAD exomes below 0.00001; gnomAD 0.00001.
gnomAD v4.1: 3 of 1,614,024 alleles (0.00019%); highest among the groups gnomAD compares: Admixed American, 0.0033%; no homozygotes.

Submission:

Labcorp Genetics (formerly Invitae), Labcorp
Classification: Uncertain significance for Transcobalamin II deficiency. Last evaluated: 2022-04-19. Review status: criteria provided, single submitter. Criteria: Invitae Variant Classification Sherloc (09022015). Collection method: clinical testing. Allele origin: germline.
Comment: This sequence change replaces threonine, which is neutral and polar, with isoleucine, which is neutral and non-polar, at codon 326 of the TCN2 protein (p.Thr326Ile). This variant is present in population databases (no rsID available, gnomAD 0.006%). This variant has not been reported in the literature in individuals affected with TCN2-related conditions. Algorithms developed to predict the effect of missense changes on protein structure and function output the following: SIFT: "Tolerated"; PolyPhen-2: "Benign"; Align-GVGD: "Class C0". The isoleucine amino acid residue is found in multiple mammalian species, which suggests that this missense change does not adversely affect protein function. In summary, the available evidence is currently insufficient to determine the role of this variant in disease. Therefore, it has been classified as a Variant of Uncertain Significance.